The following is an entry in ClinVar:

ClinVar aggregate classification (germline): Benign/Likely benign. Review status: criteria provided, multiple submitters, no conflicts (2 of 4 stars). 4 submissions from 4 submitters: Benign (1); Likely benign (2). 1 of the submissions does not count toward it. Last evaluated 2026-02-04.

Conditions:
Epidermolysis bullosa dystrophica. Also called: Dystrophic epidermolysis bullosa, Hallopeau-Siemens type (formerly); Dystrophic epidermolysis bullosa. Identifiers: Orphanet 303, MedGen C0079294, MONDO:0006543.

Allele frequency attached by ClinVar (database versions not stated): 1000 Genomes Project 30x 0.00203; 1000 Genomes Project 0.00220; gnomAD 0.00023 and 0.00034; gnomAD exomes 0.00031 and 0.00077; TOPMed 0.00042; ExAC 0.00073.
gnomAD v4.1: 515 of 1,613,920 alleles (0.032%); highest among the groups gnomAD compares: East Asian, 0.99%; 3 homozygotes.

Submissions (4):

Labcorp Genetics (formerly Invitae), Labcorp
Classification: Benign. Last evaluated: 2026-02-04. Review status: criteria provided, single submitter. Criteria: Invitae Variant Classification Sherloc (09022015). Collection method: clinical testing. Allele origin: germline.

Blueprint Genetics
Classification: Likely benign. Last evaluated: 2024-09-19. Review status: criteria provided, single submitter. Criteria: ACMG Guidelines, 2015. Collection method: clinical testing. Allele origin: germline.

Illumina Laboratory Services, Illumina
Classification: Likely benign for Dystrophic epidermolysis bullosa. Last evaluated: 2018-01-13. Review status: criteria provided, single submitter. Criteria: ICSL Variant Classification Criteria 13 December 2019. Collection method: clinical testing. Allele origin: germline.
Comment: This variant was observed in the ICSL laboratory as part of a predisposition screen in an ostensibly healthy population. It had not been previously curated by ICSL or reported in the Human Gene Mutation Database (HGMD: prior to June 1st, 2018), and was therefore a candidate for classification through an automated scoring system. Utilizing variant allele frequency, disease prevalence and penetrance estimates, and inheritance mode, an automated score was calculated to assess if this variant is too frequent to cause the disease. Based on the score and internal cut-off values, a variant classified as likely benign is not then subjected to further curation. The score for this variant resulted in a classification of likely benign for this disease.

Natera, Inc.
Classification: Likely benign for Dystrophic epidermolysis bullosa. Last evaluated: 2020-06-04. Review status: no assertion criteria provided. Collection method: clinical testing. Allele origin: germline. Not counted in ClinVar's aggregate classification.

NM_000094.4(COL7A1):c.6357G>A (p.Pro2119=)

Gene: COL7A1 (collagen type VII alpha 1 chain; minus strand). Cytogenetic location: 3p21.31.
Variant type: single nucleotide variant.
Coding change: c.6357G>A on transcript NM_000094.4 (MANE Select); coding-DNA position 6357, G replaced by A.
Protein change: p.Pro2119=; no amino-acid change (proline 2119 retained).
Molecular consequence: synonymous variant.
Genome position (GRCh38, 1-based): chr3:48,574,713, C>T on the plus strand (G>A on the coding strand, the complement: COL7A1 is on the minus strand). VCF-style: chr3-48574713-C-T. GRCh37 (hg19) VCF-style: chr3-48612146-C-T.
Identifiers: ClinVar variation 345821 (VCV000345821.16), dbSNP rs142298581, ClinGen allele CA2379087.